The following is an entry in ClinVar:

NM_030662.4(MAP2K2):c.94G>T (p.Ala32Ser)

Gene: MAP2K2 (mitogen-activated protein kinase kinase 2; minus strand). Cytogenetic location: 19p13.3.
Variant type: single nucleotide variant.
Coding change: c.94G>T on transcript NM_030662.4 (MANE Select); coding-DNA position 94, G replaced by T.
Protein change: p.Ala32Ser; replaces alanine 32 with serine.
Molecular consequence: missense variant.
Genome position (GRCh38, 1-based): chr19:4,117,628, C>A on the plus strand (G>T on the coding strand, the complement: MAP2K2 is on the minus strand). VCF-style: chr19-4117628-C-A. GRCh37 (hg19) VCF-style: chr19-4117626-C-A.
Other names: c.94G>T, p.Ala32Ser (NM_001440688.1); short protein forms A32S.
Identifiers: ClinVar variation 4749186 (VCV004749186.1).

ClinVar aggregate classification (germline): Uncertain significance (1 of 4 stars; one submission).

Conditions:
RASopathy. Also called: rasopathies; Noonan spectrum disorder. Identifiers: Orphanet 536391, MedGen C5555857, MONDO:0021060.

gnomAD v4.1: 1 of 1,613,842 alleles (0.000062%); highest among the groups gnomAD compares: Non-Finnish European, 0.000085%; no homozygotes.

Submission:

Labcorp Genetics (formerly Invitae), Labcorp
Classification: Uncertain significance for RASopathy. Last evaluated: 2025-03-11. Review status: criteria provided, single submitter. Criteria: Invitae Variant Classification Sherloc (09022015). Collection method: clinical testing. Allele origin: germline.
Comment: This sequence change replaces alanine, which is neutral and non-polar, with serine, which is neutral and polar, at codon 32 of the MAP2K2 protein (p.Ala32Ser). This variant is present in population databases (no rsID available, gnomAD 0.0009%). This variant has not been reported in the literature in individuals affected with MAP2K2-related conditions. An algorithm developed to predict the effect of missense changes on protein structure and function (PolyPhen-2) suggests that this variant is likely to be tolerated. In summary, the available evidence is currently insufficient to determine the role of this variant in disease. Therefore, it has been classified as a Variant of Uncertain Significance.